The following is an entry in ClinVar:

ClinVar aggregate classification (germline): Uncertain significance (1 of 4 stars; one submission).

Allele frequency attached by ClinVar (database versions not stated): gnomAD exomes below 0.00001.
gnomAD v4.1: 1 of 1,614,082 alleles (0.000062%); highest among the groups gnomAD compares: Non-Finnish European, 0.000085%; no homozygotes.

Submission:

Labcorp Genetics (formerly Invitae), Labcorp
Classification: Uncertain significance. Last evaluated: 2022-10-05. Review status: criteria provided, single submitter. Criteria: Invitae Variant Classification Sherloc (09022015). Collection method: clinical testing. Allele origin: germline.
Comment: This sequence change replaces glycine, which is neutral and non-polar, with aspartic acid, which is acidic and polar, at codon 805 of the ABCA4 protein (p.Gly805Asp). This variant is not present in population databases (gnomAD no frequency). This variant has not been reported in the literature in individuals affected with ABCA4-related conditions. ClinVar contains an entry for this variant (Variation ID: 1393259). Advanced modeling of protein sequence and biophysical properties (such as structural, functional, and spatial information, amino acid conservation, physicochemical variation, residue mobility, and thermodynamic stability) performed at Invitae indicates that this missense variant is expected to disrupt ABCA4 protein function. In summary, the available evidence is currently insufficient to determine the role of this variant in disease. Therefore, it has been classified as a Variant of Uncertain Significance.

NM_000350.3(ABCA4):c.2414G>A (p.Gly805Asp)

Gene: ABCA4 (ATP binding cassette subfamily A member 4; minus strand). Cytogenetic location: 1p22.1.
Variant type: single nucleotide variant.
Coding change: c.2414G>A on transcript NM_000350.3 (MANE Select); coding-DNA position 2414, G replaced by A.
Protein change: p.Gly805Asp; replaces glycine 805 with aspartic acid.
Molecular consequence: missense variant.
Genome position (GRCh38, 1-based): chr1:94,055,284, C>T on the plus strand (G>A on the coding strand, the complement: ABCA4 is on the minus strand). VCF-style: chr1-94055284-C-T. GRCh37 (hg19) VCF-style: chr1-94520840-C-T.
Other names: c.2192G>A, p.Gly731Asp (NM_001425324.1); short protein forms G805D, G731D.
Identifiers: ClinVar variation 1393259 (VCV001393259.3), dbSNP rs1660944703, ClinGen allele CA341277139.